The following is an entry in ClinVar:

ClinVar aggregate classification (germline): Uncertain significance (1 of 4 stars; one submission).

Allele frequency attached by ClinVar (database versions not stated): TOPMed below 0.00001; ExAC 0.00001; gnomAD 0.00001; gnomAD exomes 0.00001.
gnomAD v4.1: 9 of 1,613,612 alleles (0.00056%); highest among the groups gnomAD compares: Admixed American, 0.015%; no homozygotes.

Submission:

Labcorp Genetics (formerly Invitae), Labcorp
Classification: Uncertain significance. Last evaluated: 2022-08-06. Review status: criteria provided, single submitter. Criteria: Invitae Variant Classification Sherloc (09022015). Collection method: clinical testing. Allele origin: germline.
Comment: This sequence change replaces alanine, which is neutral and non-polar, with aspartic acid, which is acidic and polar, at codon 1536 of the CCDC88C protein (p.Ala1536Asp). This variant is present in population databases (rs776137082, gnomAD 0.02%). This variant has not been reported in the literature in individuals affected with CCDC88C-related conditions. Algorithms developed to predict the effect of missense changes on protein structure and function (SIFT, PolyPhen-2, Align-GVGD) all suggest that this variant is likely to be tolerated. In summary, the available evidence is currently insufficient to determine the role of this variant in disease. Therefore, it has been classified as a Variant of Uncertain Significance.

NM_001080414.4(CCDC88C):c.4607C>A (p.Ala1536Asp)

Gene: CCDC88C (coiled-coil domain containing 88C; minus strand). Cytogenetic location: 14q32.11.
Variant type: single nucleotide variant.
Coding change: c.4607C>A on transcript NM_001080414.4 (MANE Select); coding-DNA position 4607, C replaced by A.
Protein change: p.Ala1536Asp; replaces alanine 1536 with aspartic acid.
Molecular consequence: missense variant.
Genome position (GRCh38, 1-based): chr14:91,283,352, G>T on the plus strand (C>A on the coding strand, the complement: CCDC88C is on the minus strand). VCF-style: chr14-91283352-G-T. GRCh37 (hg19) VCF-style: chr14-91749696-G-T.
Other names: short protein forms A1536D.
Identifiers: ClinVar variation 1901332 (VCV001901332.4), dbSNP rs776137082, ClinGen allele CA7308935.